The following is an entry in ClinVar:

ClinVar aggregate classification (germline): Benign. Review status: criteria provided, multiple submitters, no conflicts (2 of 4 stars). 3 submissions from 3 submitters: Benign (3). Last evaluated 2018-07-10.

Conditions:
Alport syndrome. Also called: Hemorrhagic familial nephritis; Hemorrhagic hereditary nephritis; Congenital hereditary hematuria. Identifiers: Orphanet 63, MedGen C1567741, MONDO:0018965.

Allele frequency attached by ClinVar (database versions not stated): gnomAD exomes 0.02613; gnomAD 0.06067 and 0.06341; TOPMed 0.06570; 1000 Genomes Project 0.06729; 1000 Genomes Project 30x 0.06855.

Submissions (3):

GeneDx
Classification: Benign. Last evaluated: 2018-07-10. Review status: criteria provided, single submitter. Criteria: GeneDx Variant Classification Process June 2021. Collection method: clinical testing. Allele origin: germline. Affected: yes.

Illumina Laboratory Services, Illumina
Classification: Benign for Alport syndrome. Last evaluated: 2018-01-12. Review status: criteria provided, single submitter. Criteria: ICSL Variant Classification Criteria 13 December 2019. Collection method: clinical testing. Allele origin: germline.
Comment: This variant was observed in the ICSL laboratory as part of a predisposition screen in an ostensibly healthy population. It had not been previously curated by ICSL or reported in the Human Gene Mutation Database (HGMD: prior to June 1st, 2018), and was therefore a candidate for classification through an automated scoring system. Utilizing variant allele frequency, disease prevalence and penetrance estimates, and inheritance mode, an automated score was calculated to assess if this variant is too frequent to cause the disease. Based on the score and internal cut-off values, a variant classified as benign is not then subjected to further curation. The score for this variant resulted in a classification of benign for this disease.

Breakthrough Genomics
Classification: Benign. Review status: criteria provided, single submitter. Criteria: ACMG Guidelines, 2015. Collection method: not provided. Allele origin: germline. Inheritance: Autosomal recessive inheritance. Affected: yes.

NM_000091.5(COL4A3):c.*286C>T

Genes: COL4A3 (collagen type IV alpha 3 chain; plus strand), MFF-DT (MFF divergent transcript; minus strand). Cytogenetic location: 2q36.3.
Variant type: single nucleotide variant.
Coding change: c.*286C>T on transcript NM_000091.5 (MANE Select); 286 bases downstream of the stop codon, C replaced by T.
Molecular consequence: 3 prime UTR variant.
Genome position (GRCh38, 1-based): chr2:227,312,156, C>T. VCF-style: chr2-227312156-C-T. GRCh37 (hg19) VCF-style: chr2-228176872-C-T.
Identifiers: ClinVar variation 334791 (VCV000334791.7), dbSNP rs6436677, ClinGen allele CA10613011.